The following is an entry in ClinVar:

ClinVar aggregate classification (germline): Uncertain significance (1 of 4 stars; one submission).

Conditions:
Developmental and epileptic encephalopathy 94 (DEE94). Also called: CHD2-Related Neurodevelopmental Disorders; Epileptic encephalopathy, childhood-onset. Identifiers: Orphanet 1942, Orphanet 2382, MedGen C3809278, MONDO:0014150, OMIM 615369.

Submission:

Labcorp Genetics (formerly Invitae), Labcorp
Classification: Uncertain significance for Developmental and epileptic encephalopathy 94. Last evaluated: 2025-07-27. Review status: criteria provided, single submitter. Criteria: Invitae Variant Classification Sherloc (09022015). Collection method: clinical testing. Allele origin: germline.
Comment: This sequence change replaces methionine, which is neutral and non-polar, with isoleucine, which is neutral and non-polar, at codon 418 of the CHD2 protein (p.Met418Ile). This variant is not present in population databases (gnomAD no frequency). This variant has not been reported in the literature in individuals affected with CHD2-related conditions. ClinVar contains an entry for this variant (Variation ID: 1718073). Invitae Evidence Modeling of protein sequence and biophysical properties (such as structural, functional, and spatial information, amino acid conservation, physicochemical variation, residue mobility, and thermodynamic stability) indicates that this missense variant is not expected to disrupt CHD2 protein function with a negative predictive value of 95%. In summary, the available evidence is currently insufficient to determine the role of this variant in disease. Therefore, it has been classified as a Variant of Uncertain Significance.

NM_001271.4(CHD2):c.1254G>A (p.Met418Ile)

Gene: CHD2 (chromodomain helicase DNA binding protein 2; plus strand). Cytogenetic location: 15q26.1.
Variant type: single nucleotide variant.
Coding change: c.1254G>A on transcript NM_001271.4 (MANE Select); coding-DNA position 1254, G replaced by A.
Protein change: p.Met418Ile; replaces methionine 418 with isoleucine.
Molecular consequence: missense variant.
Genome position (GRCh38, 1-based): chr15:92,946,093, G>A. VCF-style: chr15-92946093-G-A. GRCh37 (hg19) VCF-style: chr15-93489323-G-A.
Other names: c.1254G>A, p.Met418Ile (NM_001042572.3); short protein forms M418I.
Identifiers: ClinVar variation 1718073 (VCV001718073.6), dbSNP rs2505459001, ClinGen allele CA393903712.